The following is an entry in ClinVar:

ClinVar aggregate classification (germline): Likely benign (1 of 4 stars; one submission).

Conditions:
SLC51A-related disorder. Also called: SLC51A-related condition.

gnomAD v4.1: 43 of 1,569,586 alleles (0.0027%); highest among the groups gnomAD compares: South Asian, 0.032%; no homozygotes.

Submission:

PreventionGenetics, part of Exact Sciences
Classification: Likely benign for SLC51A-related condition. Last evaluated: 2026-06-27. Review status: criteria provided, single submitter. Criteria: ACMG Guidelines, 2015. Collection method: clinical testing. Allele origin: germline.
Comment: This variant is classified as likely benign based on ACMG/AMP sequence variant interpretation guidelines (Richards et al. 2015 PMID: 25741868, with internal and published modifications).

NM_152672.6(SLC51A):c.-4G>A

Gene: SLC51A (solute carrier family 51 member A; plus strand). Cytogenetic location: 3q29.
Variant type: single nucleotide variant.
Coding change: c.-4G>A on transcript NM_152672.6 (MANE Select); 4 bases upstream of the start codon, G replaced by A.
Molecular consequence: 5 prime UTR variant.
Genome position (GRCh38, 1-based): chr3:196,216,709, G>A. VCF-style: chr3-196216709-G-A. GRCh37 (hg19) VCF-style: chr3-195943580-G-A.
Identifiers: ClinVar variation 4978844 (VCV004978844.1).
Genomic context (GRCh38, chr3:196,216,709, plus strand): 5'-CCTGCCCGCCCCGCCTGCCCTTCCTCACCCCGGTGCCTGCGGGATTGCTGGAGAGAACGC[G>A]GCGATGGAGCCGGGCAGGACCCAGATAAAGCTTGACCCCAGGTAAGTGAGGGCGGCGGGC-3'